The following is an entry in ClinVar:

ClinVar aggregate classification (germline): Likely benign. Review status: criteria provided, multiple submitters, no conflicts (2 of 4 stars). 3 submissions from 3 submitters: Likely benign (3). Last evaluated 2025-05-01.

Conditions:
Developmental and epileptic encephalopathy, 30 (DEE30). Also called: Epileptic encephalopathy, early infantile, 30. Identifiers: MedGen C4225360, MONDO:0014595, OMIM 616341.
Inborn genetic diseases. Identifiers: MedGen C0950123, MeSH D030342.

Allele frequency attached by ClinVar (database versions not stated): ExAC 0.00001; gnomAD exomes 0.00002.

Submissions (3):

CeGaT Center for Human Genetics Tuebingen
Classification: Likely benign. Last evaluated: 2025-05-01. Review status: criteria provided, single submitter. Criteria: CeGaT Center For Human Genetics Tuebingen Variant Classification Criteria Version 2. Collection method: clinical testing. Allele origin: germline. Affected: yes. Observed: 1 variant allele.
Comment: SIK1: PM2:Supporting, BP4, BP7

Labcorp Genetics (formerly Invitae), Labcorp
Classification: Likely benign for Developmental and epileptic encephalopathy, 30. Last evaluated: 2024-10-30. Review status: criteria provided, single submitter. Criteria: Invitae Variant Classification Sherloc (09022015). Collection method: clinical testing. Allele origin: germline.

Ambry Genetics
Classification: Likely benign for Inborn genetic diseases. Last evaluated: 2019-04-11. Review status: criteria provided, single submitter. Criteria: Ambry Variant Classification Scheme 2023. Collection method: clinical testing. Allele origin: germline.

NM_173354.5(SIK1):c.690G>A (p.Pro230=)

Gene: SIK1 (salt inducible kinase 1; minus strand). Cytogenetic location: 21q22.3.
Variant type: single nucleotide variant.
Coding change: c.690G>A on transcript NM_173354.5 (MANE Select); coding-DNA position 690, G replaced by A.
Protein change: p.Pro230=; no amino-acid change (proline 230 retained).
Molecular consequence: synonymous variant.
Genome position (GRCh38, 1-based): chr21:43,421,068, C>T on the plus strand (G>A on the coding strand, the complement: SIK1 is on the minus strand). VCF-style: chr21-43421068-C-T. GRCh37 (hg19) VCF-style: chr21-44840948-C-T.
Identifiers: ClinVar variation 1096342 (VCV001096342.21), dbSNP rs769785714, ClinGen allele CA321327433.